The following is an entry in ClinVar:

ClinVar aggregate classification (germline): Uncertain significance. Review status: criteria provided, multiple submitters, no conflicts (2 of 4 stars). 3 submissions from 3 submitters: Uncertain significance (3). Last evaluated 2024-04-03.

Conditions:
Inborn genetic diseases. Identifiers: MedGen C0950123, MeSH D030342.

Allele frequency attached by ClinVar (database versions not stated): gnomAD 0.00001; ExAC 0.00002; TOPMed 0.00002; gnomAD exomes 0.00004.
gnomAD v4.1: 54 of 1,612,190 alleles (0.0033%); highest among the groups gnomAD compares: Admixed American, 0.0083%; no homozygotes.

Submissions (3):

GeneDx
Classification: Uncertain significance. Last evaluated: 2024-04-03. Review status: criteria provided, single submitter. Criteria: GeneDx Variant Classification Process June 2021. Collection method: clinical testing. Allele origin: germline. Affected: yes.
Comment: In silico analysis supports that this missense variant has a deleterious effect on protein structure/function; Has not been previously published as pathogenic or benign to our knowledge

Ambry Genetics
Classification: Uncertain significance for Inborn genetic diseases. Last evaluated: 2023-03-31. Review status: criteria provided, single submitter. Criteria: Ambry Variant Classification Scheme 2023. Collection method: clinical testing. Allele origin: germline.

Labcorp Genetics (formerly Invitae), Labcorp
Classification: Uncertain significance. Last evaluated: 2022-01-21. Review status: criteria provided, single submitter. Criteria: Invitae Variant Classification Sherloc (09022015). Collection method: clinical testing. Allele origin: germline.
Comment: In summary, the available evidence is currently insufficient to determine the role of this variant in disease. Therefore, it has been classified as a Variant of Uncertain Significance. Algorithms developed to predict the effect of missense changes on protein structure and function (SIFT, PolyPhen-2, Align-GVGD) all suggest that this variant is likely to be tolerated. This variant has not been reported in the literature in individuals affected with TJP2-related conditions. This variant is present in population databases (rs755002560, gnomAD 0.009%). This sequence change replaces arginine, which is basic and polar, with tryptophan, which is neutral and slightly polar, at codon 152 of the TJP2 protein (p.Arg152Trp).

NM_004817.4(TJP2):c.454C>T (p.Arg152Trp)

Gene: TJP2 (tight junction protein 2; plus strand). Cytogenetic location: 9q21.11.
Variant type: single nucleotide variant.
Coding change: c.454C>T on transcript NM_004817.4 (MANE Select); coding-DNA position 454, C replaced by T.
Protein change: p.Arg152Trp; replaces arginine 152 with tryptophan.
Molecular consequence: missense variant.
Genome position (GRCh38, 1-based): chr9:69,220,998, C>T. VCF-style: chr9-69220998-C-T. GRCh37 (hg19) VCF-style: chr9-71835914-C-T.
Other names: c.385C>T, p.Arg129Trp (NM_001170414.2, NM_001369870.1, NM_001369871.1); c.466C>T, p.Arg156Trp (NM_001170415.1, NM_001369874.1, NM_001369875.1); c.547C>T, p.Arg183Trp (NM_001170416.2); c.454C>T, p.Arg152Trp (NM_001369872.1, NM_001369873.1, NM_201629.3); c.454C>T (NM_004817.3); short protein forms R152W, R183W, R156W, R129W.
Identifiers: ClinVar variation 1978960 (VCV001978960.7), dbSNP rs755002560, ClinGen allele CA5073012.